The following is an entry in ClinVar:

ClinVar aggregate classification (germline): Uncertain significance. Review status: criteria provided, multiple submitters, no conflicts (2 of 4 stars). 3 submissions from 3 submitters: Uncertain significance (2). 1 of the submissions does not count toward it. Last evaluated 2025-01-23.

Conditions:
Inborn genetic diseases. Identifiers: MedGen C0950123, MeSH D030342.
PCNT-related disorder. Also called: PCNT-related condition.

Allele frequency attached by ClinVar (database versions not stated): ExAC 0.00007; ESP Exome Variant Server 0.00008; gnomAD 0.00014; 1000 Genomes Project 30x 0.00016; 1000 Genomes Project 0.00020; TOPMed 0.00022.
gnomAD v4.1: 36 of 1,599,660 alleles (0.0023%); highest among the groups gnomAD compares: African/African-American, 0.042%; no homozygotes.

Submissions (3):

Labcorp Genetics (formerly Invitae), Labcorp
Classification: Uncertain significance. Last evaluated: 2025-01-23. Review status: criteria provided, single submitter. Criteria: Invitae Variant Classification Sherloc (09022015). Collection method: clinical testing. Allele origin: germline.
Comment: This sequence change replaces proline, which is neutral and non-polar, with leucine, which is neutral and non-polar, at codon 140 of the PCNT protein (p.Pro140Leu). This variant is present in population databases (rs200502466, gnomAD 0.05%). This variant has not been reported in the literature in individuals affected with PCNT-related conditions. ClinVar contains an entry for this variant (Variation ID: 2201229). An algorithm developed to predict the effect of missense changes on protein structure and function outputs the following: PolyPhen-2: "Benign". The leucine amino acid residue is found in multiple mammalian species, which suggests that this missense change does not adversely affect protein function. In summary, the available evidence is currently insufficient to determine the role of this variant in disease. Therefore, it has been classified as a Variant of Uncertain Significance.

Ambry Genetics
Classification: Uncertain significance for Inborn genetic diseases. Last evaluated: 2024-01-16. Review status: criteria provided, single submitter. Criteria: Ambry Variant Classification Scheme 2023. Collection method: clinical testing. Allele origin: germline.

PreventionGenetics, part of Exact Sciences
Classification: Uncertain significance for PCNT-related condition. Last evaluated: 2024-01-04. Review status: no assertion criteria provided. Collection method: clinical testing. Allele origin: germline. Not counted in ClinVar's aggregate classification.
Comment: The PCNT c.419C>T variant is predicted to result in the amino acid substitution p.Pro140Leu. To our knowledge, this variant has not been reported in the literature. This variant is reported in 0.048% of alleles in individuals of African descent in gnomAD. At this time, the clinical significance of this variant is uncertain due to the absence of conclusive functional and genetic evidence.

NM_006031.6(PCNT):c.419C>T (p.Pro140Leu)

Gene: PCNT (pericentrin; plus strand). Cytogenetic location: 21q22.3.
Variant type: single nucleotide variant.
Coding change: c.419C>T on transcript NM_006031.6 (MANE Select); coding-DNA position 419, C replaced by T.
Protein change: p.Pro140Leu; replaces proline 140 with leucine.
Molecular consequence: missense variant.
Genome position (GRCh38, 1-based): chr21:46,334,548, C>T. VCF-style: chr21-46334548-C-T. GRCh37 (hg19) VCF-style: chr21-47754462-C-T.
Other names: c.65C>T, p.Pro22Leu (NM_001315529.2); c.419C>T (NM_006031.5); short protein forms P140L, P22L.
Identifiers: ClinVar variation 2201229 (VCV002201229.6), dbSNP rs200502466, ClinGen allele CA10078251.